The following is an entry in ClinVar:

NM_014727.3(KMT2B):c.223C>G (p.Arg75Gly)

Gene: KMT2B (lysine methyltransferase 2B; plus strand). Cytogenetic location: 19q13.12.
Variant type: single nucleotide variant.
Coding change: c.223C>G on transcript NM_014727.3 (MANE Select); coding-DNA position 223, C replaced by G.
Protein change: p.Arg75Gly; replaces arginine 75 with glycine.
Molecular consequence: missense variant.
Genome position (GRCh38, 1-based): chr19:35,718,241, C>G. VCF-style: chr19-35718241-C-G. GRCh37 (hg19) VCF-style: chr19-36209143-C-G.
Other names: short protein forms R75G.
Identifiers: ClinVar variation 5020985 (VCV005020985.1).

ClinVar aggregate classification (germline): Uncertain significance (1 of 4 stars; one submission).

Submission:

Dasa
Classification: Uncertain significance. Last evaluated: 2025-03-03. Review status: criteria provided, single submitter. Criteria: DASA Assertion Criteria. Collection method: clinical testing. Allele origin: germline.
Comment: NM_014727.3(KMT2B):c.223C>G (p.Arg75Gly) is a missense variant that results in the substitution of arginine with glycine. This variant is absent from population databases. Computational prediction algorithms are consistent with a benign effect. The currently available literature and clinical evidence are not sufficient to establish a definitive association between this variant and the reported condition. Therefore, this variant is classified as a variant of uncertain significance.